The following is an entry in ClinVar:

ClinVar aggregate classification (germline): Likely benign (0 of 4 stars; one submission).

Conditions:
PPP5C-related disorder. Also called: PPP5C-related condition.

Allele frequency attached by ClinVar (database versions not stated): 1000 Genomes Project 30x 0.00031; 1000 Genomes Project 0.00040; ESP Exome Variant Server 0.00124; gnomAD 0.00147; ExAC 0.00309.

Submission:

PreventionGenetics, part of Exact Sciences
Classification: Likely benign for PPP5C-related condition. Last evaluated: 2020-07-14. Review status: no assertion criteria provided. Collection method: clinical testing. Allele origin: germline.
Comment: This variant is classified as likely benign based on ACMG/AMP sequence variant interpretation guidelines (Richards et al. 2015 PMID: 25741868, with internal and published modifications).

NM_006247.4(PPP5C):c.2T>C (p.Met1Thr)

Genes: PPP5C (protein phosphatase 5 catalytic subunit; plus strand), LOC130064748 (ATAC-STARR-seq lymphoblastoid active region 14834; plus strand). Cytogenetic location: 19q13.32.
Variant type: single nucleotide variant.
Coding change: c.2T>C on transcript NM_006247.4 (MANE Select); coding-DNA position 2, T replaced by C.
Protein change: p.Met1Thr; changes the start codon (methionine 1).
Molecular consequence: missense variant, initiator codon variant.
Genome position (GRCh38, 1-based): chr19:46,347,098, T>C. VCF-style: chr19-46347098-T-C. GRCh37 (hg19) VCF-style: chr19-46850355-T-C.
Other names: c.2T>C, p.Met1Thr (NM_001204284.2); short protein forms M1T.
Identifiers: ClinVar variation 3053594 (VCV003053594.2), dbSNP rs138763336, ClinGen allele CA9527855.